The following is an entry in ClinVar:

ClinVar aggregate classification (germline): Uncertain significance (1 of 4 stars; one submission).

Conditions:
PRPH2-related disorder. Also called: PRPH2-related disorders; PRPH2-related condition. Identifiers: MedGen CN239395.

Submission:

Labcorp Genetics (formerly Invitae), Labcorp
Classification: Uncertain significance for PRPH2-related disorder. Last evaluated: 2022-06-13. Review status: criteria provided, single submitter. Criteria: Invitae Variant Classification Sherloc (09022015). Collection method: clinical testing. Allele origin: germline.
Comment: In summary, the available evidence is currently insufficient to determine the role of this variant in disease. Therefore, it has been classified as a Variant of Uncertain Significance. Advanced modeling of protein sequence and biophysical properties (such as structural, functional, and spatial information, amino acid conservation, physicochemical variation, residue mobility, and thermodynamic stability) performed at Invitae indicates that this missense variant is not expected to disrupt PRPH2 protein function. ClinVar contains an entry for this variant (Variation ID: 1053629). This missense change has been observed in individual(s) with clinical features of Stargardt disease (Invitae). This variant is not present in population databases (gnomAD no frequency). This sequence change replaces proline, which is neutral and non-polar, with glutamine, which is neutral and polar, at codon 313 of the PRPH2 protein (p.Pro313Gln).

NM_000322.5(PRPH2):c.938C>A (p.Pro313Gln)

Gene: PRPH2 (peripherin 2; minus strand). Cytogenetic location: 6p21.1.
Variant type: single nucleotide variant.
Coding change: c.938C>A on transcript NM_000322.5 (MANE Select); coding-DNA position 938, C replaced by A.
Protein change: p.Pro313Gln; replaces proline 313 with glutamine.
Molecular consequence: missense variant.
Genome position (GRCh38, 1-based): chr6:42,698,398, G>T on the plus strand (C>A on the coding strand, the complement: PRPH2 is on the minus strand). VCF-style: chr6-42698398-G-T. GRCh37 (hg19) VCF-style: chr6-42666136-G-T.
Other names: short protein forms P313Q.
Identifiers: ClinVar variation 1053629 (VCV001053629.9), dbSNP rs61748434, ClinGen allele CA364133024.